The following is an entry in ClinVar:

ClinVar aggregate classification (germline): Pathogenic (1 of 4 stars; one submission).

Submission:

Labcorp Genetics (formerly Invitae), Labcorp
Classification: Pathogenic. Last evaluated: 2022-08-16. Review status: criteria provided, single submitter. Criteria: Invitae Variant Classification Sherloc (09022015). Collection method: clinical testing. Allele origin: germline.
Comment: This variant is not present in population databases (gnomAD no frequency). This sequence change creates a premature translational stop signal (p.Val5207Glufs*5) in the ADGRV1 gene. It is expected to result in an absent or disrupted protein product. Loss-of-function variants in ADGRV1 are known to be pathogenic (PMID: 19357117, 22135276, 22147658, 26226137, 30718709, 31047384, 32467589). This variant has not been reported in the literature in individuals affected with ADGRV1-related conditions. For these reasons, this variant has been classified as Pathogenic.

Literature cited by the submitters: PubMed 19357117; PubMed 22135276; PubMed 22147658; PubMed 26226137; PubMed 30718709; PubMed 31047384; PubMed 32467589.

NM_032119.4(ADGRV1):c.15620delinsAAA (p.Val5207fs)

Gene: ADGRV1 (adhesion G protein-coupled receptor V1; plus strand). Cytogenetic location: 5q14.3.
Variant type: Indel.
Coding change: c.15620delinsAAA on transcript NM_032119.4 (MANE Select); coding-DNA position 15620, T replaced by AAA.
Protein change: p.Val5207fs; shifts the reading frame from valine 5207.
Molecular consequence: frameshift variant. On other transcripts: non-coding transcript variant (1).
Genome position (GRCh38, 1-based): chr5:90,810,880, T replaced by AAA. VCF-style: chr5-90810880-T-AAA. GRCh37 (hg19) VCF-style: chr5-90106697-T-AAA.
Other names: short protein forms V5207fs.
Identifiers: ClinVar variation 2069531 (VCV002069531.4), dbSNP rs2532189284, ClinGen allele CA2580073777.